The following is an entry in ClinVar:

ClinVar aggregate classification (germline): Uncertain significance. Review status: criteria provided, multiple submitters, no conflicts (2 of 4 stars). 2 submissions from 2 submitters: Uncertain significance (2). Last evaluated 2026-07-20.

Conditions:
Familial adenomatous polyposis 1 (FAP1). Also called: POLYPOSIS, ADENOMATOUS INTESTINAL; FAMILIAL ADENOMATOUS POLYPOSIS 1, ATTENUATED. Identifiers: MedGen C2713442, MONDO:0021056, OMIM 175100. Disease mechanism: loss of function.
Hereditary cancer-predisposing syndrome. Also called: Hereditary Cancer Syndrome; Hereditary neoplastic syndrome; Neoplastic Syndromes, Hereditary; Tumor predisposition. Identifiers: Orphanet 140162, MedGen C0027672, MeSH D009386, MONDO:0015356.

Submissions (2):

Ambry Genetics
Classification: Uncertain significance for Hereditary cancer-predisposing syndrome. Last evaluated: 2026-07-20. Review status: criteria provided, single submitter. Criteria: Ambry Variant Classification Scheme 2023. Collection method: clinical testing. Allele origin: germline.
Comment: The p.V1750I variant (also known as c.5248G>A), located in coding exon 15 of the APC gene, results from a G to A substitution at nucleotide position 5248. The valine at codon 1750 is replaced by isoleucine, an amino acid with highly similar properties. This amino acid position is conserved. In addition, in silico predictors for this gene do not accurately predict pathogenicity. Based on the available evidence, the clinical significance of this variant remains unclear.

Labcorp Genetics (formerly Invitae), Labcorp
Classification: Uncertain significance for Familial adenomatous polyposis 1. Last evaluated: 2023-02-09. Review status: criteria provided, single submitter. Criteria: Invitae Variant Classification Sherloc (09022015). Collection method: clinical testing. Allele origin: germline.
Comment: In summary, the available evidence is currently insufficient to determine the role of this variant in disease. Therefore, it has been classified as a Variant of Uncertain Significance. Advanced modeling of protein sequence and biophysical properties (such as structural, functional, and spatial information, amino acid conservation, physicochemical variation, residue mobility, and thermodynamic stability) performed at Invitae indicates that this missense variant is not expected to disrupt APC protein function. This variant has not been reported in the literature in individuals affected with APC-related conditions. This variant is not present in population databases (gnomAD no frequency). This sequence change replaces valine, which is neutral and non-polar, with isoleucine, which is neutral and non-polar, at codon 1750 of the APC protein (p.Val1750Ile).

NM_000038.6(APC):c.5248G>A (p.Val1750Ile)

Gene: APC (APC regulator of Wnt signaling pathway; plus strand). Cytogenetic location: 5q22.2.
Variant type: single nucleotide variant.
Coding change: c.5248G>A on transcript NM_000038.6 (MANE Select); coding-DNA position 5248, G replaced by A.
Protein change: p.Val1750Ile; replaces valine 1750 with isoleucine.
Molecular consequence: missense variant. On other transcripts: non-coding transcript variant (2).
Genome position (GRCh38, 1-based): chr5:112,840,842, G>A. VCF-style: chr5-112840842-G-A. GRCh37 (hg19) VCF-style: chr5-112176539-G-A.
Other names: c.5248G>A (NM_000038.5); c.5248G>A, p.Val1750Ile (NM_001127510.3, NM_001354895.2, NM_001407450.1); c.5194G>A, p.Val1732Ile (NM_001127511.3); c.5302G>A, p.Val1768Ile (NM_001354896.2, NM_001407447.1, NM_001407448.1 and 1 more transcripts); c.5278G>A, p.Val1760Ile (NM_001354897.2); c.5173G>A, p.Val1725Ile (NM_001354898.2); c.5164G>A, p.Val1722Ile (NM_001354899.2); c.5125G>A, p.Val1709Ile (NM_001354900.2); and 12 more; short protein forms V1467I, V1590I, V1621I, V1778I, V1649I, V1659I, V1667I, V1768I.
Identifiers: ClinVar variation 2835666 (VCV002835666.4), dbSNP rs1765895061, ClinGen allele CA16032807.
Genomic context (GRCh38, chr5:112,840,842, plus strand): 5'-TCTGCTATGCCCAAAGGGAAAAGTCACAAGCCTTTCCGTGTGAAAAAGATAATGGACCAG[G>A]TCCAGCAAGCATCTGCGTCTTCTTCTGCACCCAACAAAAATCAGTTAGATGGTAAGAAAA-3'
Protein context (NP_000029.2, residues 1740-1760): PFRVKKIMDQ[Val1750Ile]QQASASSSAP